The following is an entry in ClinVar:

NM_020964.3(EPG5):c.5674G>C (p.Glu1892Gln)

Gene: EPG5 (ectopic P-granules 5 autophagy tethering factor; minus strand). Cytogenetic location: 18q12.3.
Variant type: single nucleotide variant.
Coding change: c.5674G>C on transcript NM_020964.3 (MANE Select); coding-DNA position 5674, G replaced by C.
Protein change: p.Glu1892Gln; replaces glutamic acid 1892 with glutamine.
Molecular consequence: missense variant.
Genome position (GRCh38, 1-based): chr18:45,879,208, C>G on the plus strand (G>C on the coding strand, the complement: EPG5 is on the minus strand). VCF-style: chr18-45879208-C-G. GRCh37 (hg19) VCF-style: chr18-43459173-C-G.
Other names: short protein forms E1892Q.
Identifiers: ClinVar variation 1041957 (VCV001041957.7), dbSNP rs773270236, ClinGen allele CA8948501.

ClinVar aggregate classification (germline): Uncertain significance (1 of 4 stars; one submission).

Conditions:
Vici syndrome (VICIS). Identifiers: Orphanet 1493, MedGen C1855772, MONDO:0009452, OMIM 242840.

Allele frequency attached by ClinVar (database versions not stated): ExAC 0.00001; gnomAD exomes 0.00001; TOPMed 0.00002.
gnomAD v4.1: 4 of 1,605,308 alleles (0.00025%); highest among the groups gnomAD compares: Admixed American, 0.0069%; no homozygotes.

Submission:

Labcorp Genetics (formerly Invitae), Labcorp
Classification: Uncertain significance for Vici syndrome. Last evaluated: 2021-08-27. Review status: criteria provided, single submitter. Criteria: Invitae Variant Classification Sherloc (09022015). Collection method: clinical testing. Allele origin: germline.
Comment: This sequence change replaces glutamic acid with glutamine at codon 1892 of the EPG5 protein (p.Glu1892Gln). The glutamic acid residue is highly conserved and there is a small physicochemical difference between glutamic acid and glutamine. This variant is present in population databases (rs773270236, ExAC 0.009%). This variant has not been reported in the literature in individuals affected with EPG5-related conditions. Algorithms developed to predict the effect of missense changes on protein structure and function are either unavailable or do not agree on the potential impact of this missense change (SIFT: "Deleterious"; PolyPhen-2: "Probably Damaging"; Align-GVGD: "Class C0"). In summary, the available evidence is currently insufficient to determine the role of this variant in disease. Therefore, it has been classified as a Variant of Uncertain Significance.